The following is an entry in ClinVar:

NM_007194.4(CHEK2):c.870C>A (p.Asn290Lys)

Gene: CHEK2 (checkpoint kinase 2; minus strand). Cytogenetic location: 22q12.1.
Variant type: single nucleotide variant.
Coding change: c.870C>A on transcript NM_007194.4 (MANE Select); coding-DNA position 870, C replaced by A.
Protein change: p.Asn290Lys; replaces asparagine 290 with lysine.
Molecular consequence: missense variant.
Genome position (GRCh38, 1-based): chr22:28,703,543, G>T on the plus strand (C>A on the coding strand, the complement: CHEK2 is on the minus strand). VCF-style: chr22-28703543-G-T. GRCh37 (hg19) VCF-style: chr22-29099531-G-T.
Other names: c.999C>A, p.Asn333Lys (NM_001005735.3); c.207C>A, p.Asn69Lys (NM_001257387.3); c.669C>A, p.Asn223Lys (NM_001349956.3); c.870C>A, p.Asn290Lys (NM_145862.3); short protein forms N223K, N290K, N333K, N69K.
Identifiers: ClinVar variation 940087 (VCV000940087.10), dbSNP rs2052980129, ClinGen allele CA411101191.

ClinVar aggregate classification (germline): Uncertain significance (1 of 4 stars; one submission).

Conditions:
Familial cancer of breast. Also called: hereditary breast carcinoma; BREAST CANCER, FAMILIAL; Hereditary breast cancer. Identifiers: Orphanet 227535, MedGen C0346153, MONDO:0016419, OMIM 114480. Disease mechanism: loss of function.

Submission:

Labcorp Genetics (formerly Invitae), Labcorp
Classification: Uncertain significance for Familial cancer of breast. Last evaluated: 2019-08-15. Review status: criteria provided, single submitter. Criteria: Invitae Variant Classification Sherloc (09022015). Collection method: clinical testing. Allele origin: germline.
Comment: This sequence change replaces asparagine with lysine at codon 290 of the CHEK2 protein (p.Asn290Lys). The asparagine residue is weakly conserved and there is a moderate physicochemical difference between asparagine and lysine. This variant is not present in population databases (ExAC no frequency). This variant has not been reported in the literature in individuals with CHEK2-related conditions. Algorithms developed to predict the effect of missense changes on protein structure and function (SIFT, PolyPhen-2, Align-GVGD) all suggest that this variant is likely to be tolerated, but these predictions have not been confirmed by published functional studies and their clinical significance is uncertain. In summary, the available evidence is currently insufficient to determine the role of this variant in disease. Therefore, it has been classified as a Variant of Uncertain Significance.